The following is an entry in ClinVar:

NM_004655.4(AXIN2):c.1737C>T (p.Pro579=)

Gene: AXIN2 (axin 2; minus strand). Cytogenetic location: 17q24.1.
Variant type: single nucleotide variant.
Coding change: c.1737C>T on transcript NM_004655.4 (MANE Select); coding-DNA position 1737, C replaced by T.
Protein change: p.Pro579=; no amino-acid change (proline 579 retained).
Molecular consequence: synonymous variant. On other transcripts: intron variant (1).
Genome position (GRCh38, 1-based): chr17:65,537,039, G>A on the plus strand (C>T on the coding strand, the complement: AXIN2 is on the minus strand). VCF-style: chr17-65537039-G-A. GRCh37 (hg19) VCF-style: chr17-63533157-G-A.
Other names: c.1712+285C>T (NM_001363813.1).
Identifiers: ClinVar variation 1080970 (VCV001080970.12), dbSNP rs2144451775, ClinGen allele CA501691197.

ClinVar aggregate classification (germline): Benign/Likely benign. Review status: criteria provided, multiple submitters, no conflicts (2 of 4 stars). 3 submissions from 3 submitters: Benign (1); Likely benign (2). Last evaluated 2024-07-08.

Conditions:
Hereditary cancer-predisposing syndrome. Also called: Hereditary Cancer Syndrome; Hereditary neoplastic syndrome; Tumor predisposition; Neoplastic Syndromes, Hereditary. Identifiers: Orphanet 140162, MedGen C0027672, MeSH D009386, MONDO:0015356.
Oligodontia-cancer predisposition syndrome. Also called: TOOTH AGENESIS-COLORECTAL CANCER SYNDROME. Identifiers: Orphanet 300576, MedGen C1837750, MONDO:0012075, OMIM 608615. Disease mechanism: loss of function.

Submissions (3):

Myriad Genetics, Inc.
Classification: Benign for Oligodontia-cancer predisposition syndrome. Last evaluated: 2024-07-08. Review status: criteria provided, single submitter. Criteria: Myriad Autosomal Dominant, Autosomal Recessive and X-Linked Classification Criteria (2023). Collection method: clinical testing. Allele origin: unknown.
Comment: This variant is considered benign. This variant is a silent/synonymous amino acid change and it is not expected to impact splicing.

Ambry Genetics
Classification: Likely benign for Hereditary cancer-predisposing syndrome. Last evaluated: 2022-08-19. Review status: criteria provided, single submitter. Criteria: Ambry Variant Classification Scheme 2023. Collection method: clinical testing. Allele origin: germline.

Labcorp Genetics (formerly Invitae), Labcorp
Classification: Likely benign for Oligodontia-cancer predisposition syndrome. Last evaluated: 2020-05-29. Review status: criteria provided, single submitter. Criteria: Invitae Variant Classification Sherloc (09022015). Collection method: clinical testing. Allele origin: germline.